The following is an entry in ClinVar:

NM_000277.3(PAH):c.941del (p.Pro314fs)

Gene: PAH (phenylalanine hydroxylase; minus strand). Cytogenetic location: 12q23.2.
Variant type: Deletion.
Coding change: c.941del on transcript NM_000277.3 (MANE Select); coding-DNA position 941, one base deleted (C; older notation c.941delC).
Protein change: p.Pro314fs; shifts the reading frame from proline 314.
Molecular consequence: frameshift variant.
Genome position (GRCh38, 1-based): chr12:102,846,923, G deleted on the plus strand (C on the coding strand, the reverse complement: PAH is on the minus strand); the first of 2 consecutive G bases (chr12:102,846,923-102,846,924); deleting either gives the same sequence. VCF-style (leftmost placement, unchanged base first): chr12-102846922-AG-A. GRCh37 (hg19) VCF-style: chr12-103240700-AG-A.
Other names: NM_000277.3(PAH):c.941del; p.Pro314fs; c.941del, p.Pro314fs (NM_001354304.2); short protein forms P314fs.
Identifiers: ClinVar variation 102906 (VCV000102906.2), dbSNP rs62642907, ClinGen allele CA229866.

ClinVar aggregate classification (germline): Pathogenic. Review status: reviewed by expert panel (3 of 4 stars). 2 submissions from 2 submitters: Pathogenic (1). 1 of the submissions does not count toward it. Last evaluated 2022-06-12.

Conditions:
Phenylketonuria (PKU). Also called: Phenylketonuria (PKU); FOLLING DISEASE; OLIGOPHRENIA PHENYLPYRUVICA; Phenylketonurias. Identifiers: Orphanet 716, MedGen C0031485, MONDO:0009861, OMIM 261600. Disease mechanism: loss of function.

Submissions (2):

ClinGen PAH Variant Curation Expert Panel
Classification: Pathogenic for Phenylketonuria. Last evaluated: 2022-06-12. Review status: reviewed by expert panel. Criteria: ClinGen PAH ACMG Specifications v1. Collection method: curation. Allele origin: germline. Inheritance: Autosomal recessive inheritance.
Comment: The frameshift variant c.941del (HGVS nomenclature c.940del) occurs in exon 9 of 13 and is predicted to result in NMD. The variant is absent from population databases, including gnomAD. One classical PKU patient has been reported (PMID: 9600453) with this variant in trans with c.1066-11G>A (ClinVar 607, Pathogenic with expert panel review). In summary, this variant meets criteria to be classified as Pathogenic for PAH. PAH-specific ACMG/AMP criteria applied: PVS1, PM2, PM3, PP4.

DeBelle Laboratory for Biochemical Genetics, MUHC/MCH RESEARCH INSTITUTE
No classification provided. Review status: no classification provided. Collection method: not provided. Allele origin: not provided. Not counted in ClinVar's aggregate classification.